The following is an entry in ClinVar:

NM_017654.4(SAMD9):c.2525A>G (p.Glu842Gly)

Gene: SAMD9 (sterile alpha motif domain containing 9; minus strand). Cytogenetic location: 7q21.2.
Variant type: single nucleotide variant.
Coding change: c.2525A>G on transcript NM_017654.4 (MANE Select); coding-DNA position 2525, A replaced by G.
Protein change: p.Glu842Gly; replaces glutamic acid 842 with glycine.
Molecular consequence: missense variant.
Genome position (GRCh38, 1-based): chr7:93,103,573, T>C on the plus strand (A>G on the coding strand, the complement: SAMD9 is on the minus strand). VCF-style: chr7-93103573-T-C. GRCh37 (hg19) VCF-style: chr7-92732886-T-C.
Other names: c.2525A>G, p.Glu842Gly (NM_001193307.2); short protein forms E842G.
Identifiers: ClinVar variation 4629994 (VCV004629994.1).

ClinVar aggregate classification (germline): Uncertain significance (1 of 4 stars; one submission).

Conditions:
Inborn genetic diseases. Identifiers: MedGen C0950123, MeSH D030342.

Submission:

Ambry Genetics
Classification: Uncertain significance for Inborn genetic diseases. Last evaluated: 2025-12-14. Review status: criteria provided, single submitter. Criteria: Ambry Variant Classification Scheme 2023. Collection method: clinical testing. Allele origin: germline.
Comment: The p.E842G variant (also known as c.2525A>G), located in coding exon 1 of the SAMD9 gene, results from an A to G substitution at nucleotide position 2525. The glutamic acid at codon 842 is replaced by glycine, an amino acid with similar properties. This amino acid position is conserved. In addition, this alteration is predicted to be tolerated by in silico analysis. Based on the available evidence, the clinical significance of this variant remains unclear.